The following is an entry in ClinVar:

ClinVar aggregate classification (germline): Pathogenic (1 of 4 stars; one submission).

Submission:

GeneDx
Classification: Pathogenic. Last evaluated: 2022-11-01. Review status: criteria provided, single submitter. Criteria: GeneDx Variant Classification Process June 2021. Collection method: clinical testing. Allele origin: germline. Affected: yes.
Comment: Nonsense variant predicted to result in protein truncation or nonsense mediated decay in a gene for which loss of function is a known mechanism of disease; Not observed at significant frequency in large population cohorts (gnomAD); This variant is associated with the following publications: (PMID: 32105361)

NM_000359.3(TGM1):c.1756C>T (p.Gln586Ter)

Gene: TGM1 (transglutaminase 1; minus strand). Cytogenetic location: 14q12.
Variant type: single nucleotide variant.
Coding change: c.1756C>T on transcript NM_000359.3 (MANE Select); coding-DNA position 1756, C replaced by T.
Protein change: p.Gln586Ter; replaces glutamine 586 with a stop codon.
Molecular consequence: nonsense.
Genome position (GRCh38, 1-based): chr14:24,255,143, G>A on the plus strand (C>T on the coding strand, the complement: TGM1 is on the minus strand). VCF-style: chr14-24255143-G-A. GRCh37 (hg19) VCF-style: chr14-24724349-G-A.
Other names: short protein forms Q586*.
Identifiers: ClinVar variation 3342695 (VCV003342695.1).